The following is an entry in ClinVar:

NM_004972.4(JAK2):c.289C>T (p.Pro97Ser)

Genes: INSL6 (insulin like 6; minus strand), JAK2 (Janus kinase 2; plus strand). Cytogenetic location: 9p24.1.
Variant type: single nucleotide variant.
Coding change: c.289C>T on transcript NM_004972.4 (MANE Select); coding-DNA position 289, C replaced by T.
Protein change: p.Pro97Ser; replaces proline 97 with serine.
Molecular consequence: missense variant. On other transcripts: 5 prime UTR variant (2), non-coding transcript variant (2).
Genome position (GRCh38, 1-based): chr9:5,029,845, C>T. VCF-style: chr9-5029845-C-T. GRCh37 (hg19) VCF-style: chr9-5029845-C-T.
Other names: c.289C>T, p.Pro97Ser (NM_001322194.2, NM_001322195.2, NM_001322196.2); c.-832C>T (NM_001322198.2, NM_001322199.2); short protein forms P97S.
Identifiers: ClinVar variation 3368200 (VCV003368200.1).

ClinVar aggregate classification (germline): Uncertain significance (1 of 4 stars; one submission).

gnomAD v4.1: 6 of 1,610,418 alleles (0.00037%); highest among the groups gnomAD compares: East Asian, 0.0022%; no homozygotes.

Submission:

GeneDx
Classification: Uncertain significance. Last evaluated: 2024-01-21. Review status: criteria provided, single submitter. Criteria: GeneDx Variant Classification Process June 2021. Collection method: clinical testing. Allele origin: germline. Affected: yes.
Comment: Not observed at significant frequency in large population cohorts (gnomAD); In silico analysis supports that this missense variant has a deleterious effect on protein structure/function; Has not been previously published as pathogenic or benign to our knowledge